The following is an entry in ClinVar:

NM_004415.4(DSP):c.2719C>T (p.Arg907Cys)

Gene: DSP (desmoplakin; plus strand). Cytogenetic location: 6p24.3.
Variant type: single nucleotide variant.
Coding change: c.2719C>T on transcript NM_004415.4 (MANE Select); coding-DNA position 2719, C replaced by T.
Protein change: p.Arg907Cys; replaces arginine 907 with cysteine.
Molecular consequence: missense variant.
Genome position (GRCh38, 1-based): chr6:7,576,382, C>T. VCF-style: chr6-7576382-C-T. GRCh37 (hg19) VCF-style: chr6-7576615-C-T.
Other names: c.2719C>T (LRG_423t1); c.2719C>T, p.Arg907Cys (NM_001008844.3, NM_001319034.2); short protein forms R907C.
Identifiers: ClinVar variation 357945 (VCV000357945.25), dbSNP rs749051278, ClinGen allele CA034721.

ClinVar aggregate classification (germline): Conflicting classifications of pathogenicity. Review status: criteria provided, conflicting classifications (1 of 4 stars). 9 submissions from 7 submitters: Uncertain significance (8); Likely benign (1). Last evaluated 2026-01-13.

Conditions:
Cardiovascular phenotype. Identifiers: MedGen CN230736.
Arrhythmogenic right ventricular dysplasia 8 (ARVD8). Also called: Arrhythmogenic Right Ventricular Dysplasia/Cardiomyopathy 8; ARRHYTHMOGENIC RIGHT VENTRICULAR DYSPLASIA, FAMILIAL, 8; ARRHYTHMOGENIC RIGHT VENTRICULAR CARDIOMYOPATHY 8. Identifiers: MedGen C1843896, MONDO:0011831, OMIM 607450.
Arrhythmogenic cardiomyopathy with wooly hair and keratoderma. Also called: PALMOPLANTAR KERATODERMA WITH LEFT VENTRICULAR CARDIOMYOPATHY AND WOOLLY HAIR; Arrhythmogenic cardiomyopathy with woolly hair and keratoderma; Carvajal syndrome; Dilated cardiomyopathy with woolly hair and keratoderma. Identifiers: Orphanet 65282, MedGen C1854063, MONDO:0011581, OMIM 605676.
Cardiomyopathy (CMYO). Also called: Cardiomyopathies. Identifiers: Orphanet 167848, MedGen C0878544, MONDO:0004994, HP:0001638. Inheritance: Various modes of inheritance.
Keratosis palmoplantaris striata 2. Also called: Keratosis palmoplantaris striata II; KERATODERMA, PALMOPLANTAR, STRIATE FORM II; STRIATE PALMOPLANTAR KERATODERMA II. Identifiers: MedGen C1852127, MONDO:0013034, OMIM 612908.
Woolly hair-skin fragility syndrome (WHSF). Identifiers: Orphanet 293165, MedGen C1843292, MONDO:0957307, OMIM 620415.
Cardiomyopathy, dilated, with wooly hair, keratoderma, and tooth agenesis. Also called: Cardiomyopathy, dilated, with woolly hair, keratoderma, and tooth agenesis; Erythrokeratodermia-cardiomyopathy syndrome. Identifiers: Orphanet 476096, Orphanet 65282, MedGen C4014393, MONDO:0014355, OMIM 615821.
Lethal acantholytic epidermolysis bullosa (EBLA). Identifiers: Orphanet 158687, MedGen C1864826, MONDO:0012323, OMIM 609638.

Allele frequency attached by ClinVar (database versions not stated): ExAC 0.00001; gnomAD exomes 0.00002; TOPMed 0.00003.
gnomAD v4.1: 36 of 1,613,964 alleles (0.0022%); highest among the groups gnomAD compares: East Asian, 0.011%; no homozygotes.

Submissions (9):

Labcorp Genetics (formerly Invitae), Labcorp
Classification: Likely benign for Arrhythmogenic cardiomyopathy with wooly hair and keratoderma; Arrhythmogenic right ventricular dysplasia 8. Last evaluated: 2026-01-13. Review status: criteria provided, single submitter. Criteria: Invitae Variant Classification Sherloc (09022015). Collection method: clinical testing. Allele origin: germline.

Color Diagnostics, LLC DBA Color Health
Classification: Uncertain significance for Cardiomyopathy. Last evaluated: 2024-06-03. Review status: criteria provided, single submitter. Criteria: ACMG Guidelines, 2015. Collection method: clinical testing. Allele origin: germline.
Comment: This missense variant replaces arginine with cysteine at codon 907 of the DSP protein. Computational prediction suggests that this variant may not impact protein structure and function (internally defined REVEL score threshold <= 0.5, PMID: 27666373). To our knowledge, functional studies have not been reported for this variant. This variant has been reported in an individual affected with left ventricular noncompaction, who also carried a pathogenic truncation variant in the PKP2 gene (PMID: 32600061). This variant has been identified in 4/251328 chromosomes in the general population by the Genome Aggregation Database (gnomAD). The available evidence is insufficient to determine the role of this variant in disease conclusively. Therefore, this variant is classified as a Variant of Uncertain Significance.

Blueprint Genetics
Classification: Uncertain significance. Last evaluated: 2022-12-30. Review status: criteria provided, single submitter. Criteria: ACMG Guidelines, 2015. Collection method: clinical testing. Allele origin: germline.

Ambry Genetics
Classification: Uncertain significance for Cardiovascular phenotype. Last evaluated: 2022-03-08. Review status: criteria provided, single submitter. Criteria: Ambry Variant Classification Scheme 2023. Collection method: clinical testing. Allele origin: germline.
Comment: The p.R907C variant (also known as c.2719C>T), located in coding exon 19 of the DSP gene, results from a C to T substitution at nucleotide position 2719. The arginine at codon 907 is replaced by cysteine, an amino acid with highly dissimilar properties. This variant co-occurred with a frameshift variant in the PKP2 gene in an individual from a left ventricular noncompaction cohort who had heart failure, arrhythmia and congenital heart defect (Hirono K et al. Circ Genom Precis Med, 2020 08;13:e002940). This variant has also been detected in individuals from a cohort not selected for the presence of cardiovascular disease; however, details were limited (Yamaguchi-Kabata Y et al. J Hum Genet, 2018 Feb;63:213-230). This amino acid position is well conserved in available vertebrate species. In addition, this alteration is predicted to be tolerated by in silico analysis. Since supporting evidence is limited at this time, the clinical significance of this alteration remains unclear.

Fulgent Genetics
Classification: Uncertain significance for Arrhythmogenic cardiomyopathy with wooly hair and keratoderma; Arrhythmogenic right ventricular dysplasia 8; Lethal acantholytic epidermolysis bullosa; Keratosis palmoplantaris striata 2; Cardiomyopathy, dilated, with wooly hair, keratoderma, and tooth agenesis. Last evaluated: 2021-10-13. Review status: criteria provided, single submitter. Criteria: ACMG Guidelines, 2015. Collection method: clinical testing. Allele origin: unknown.

ARUP Laboratories, Molecular Genetics and Genomics, ARUP Laboratories
Classification: Uncertain significance. Last evaluated: 2018-09-28. Review status: criteria provided, single submitter. Criteria: ARUP Molecular Germline Variant Investigation Process. Collection method: clinical testing. Allele origin: germline.
Comment: The p.Arg907Cys variant (rs749051278) has not been reported in the medical literature but is reported in ClinVar (Variation ID: 357945). This variant is found in the general population with an overall allele frequency of 0.002% (4/246106 alleles) in the Genome Aggregation Database. Another variant that affects the same codon (p.Arg907His) was reported in a patient with dilated cardiomyopathy, however, its clinical significance was not determined (Cuenca 2016). The arginine at position 907 is moderately conserved and computational analyses (SIFT, PolyPhen-2) predict that the p.Arg907Cys variant is deleterious. However, given the lack of clinical and functional data, the significance of this variant is uncertain at this time. References: Cuenca et al. Genetic basis of familial dilated cardiomyopathy patients undergoing heart transplantation. J Heart Lung Transplant. 2016 May;35(5):625-35.

Illumina Laboratory Services, Illumina
Classification: Uncertain significance for Arrhythmogenic right ventricular dysplasia 8. Last evaluated: 2018-01-13. Review status: criteria provided, single submitter. Criteria: ICSL Variant Classification Criteria 13 December 2019. Collection method: clinical testing. Allele origin: germline.

Illumina Laboratory Services, Illumina
Classification: Uncertain significance for Arrhythmogenic cardiomyopathy with wooly hair and keratoderma. Last evaluated: 2018-01-13. Review status: criteria provided, single submitter. Criteria: ICSL Variant Classification Criteria 13 December 2019. Collection method: clinical testing. Allele origin: germline.

Illumina Laboratory Services, Illumina
Classification: Uncertain significance for Lethal acantholytic epidermolysis bullosa. Last evaluated: 2018-01-13. Review status: criteria provided, single submitter. Criteria: ICSL Variant Classification Criteria 13 December 2019. Collection method: clinical testing. Allele origin: germline.

Literature cited by the submitters: PubMed 32600061 (cited by Color Diagnostics, LLC DBA Color Health and Ambry Genetics); PubMed 29192238 (cited by Ambry Genetics).